The following is an entry in ClinVar:

NM_016239.4(MYO15A):c.6370_6371dup (p.Asp2125fs)

Gene: MYO15A (myosin XVA; plus strand). Cytogenetic location: 17p11.2.
Variant type: Duplication.
Coding change: c.6370_6371dup on transcript NM_016239.4 (MANE Select); coding-DNA positions 6370 to 6371, 2 bases duplicated (CG; older notation c.6370_6371dupCG).
Protein change: p.Asp2125fs; shifts the reading frame from aspartic acid 2125.
Molecular consequence: frameshift variant.
Genome position (GRCh38, 1-based): chr17:18,145,968-18,145,969, CG duplicated; duplicating any 2 consecutive bases within chr17:18,145,967-18,145,969 gives the same sequence; the c. name uses the placement nearest the transcript's 3' end. VCF-style (leftmost placement, unchanged base first): chr17-18145966-T-TGC. GRCh37 (hg19) VCF-style: chr17-18049280-T-TGC.
Other names: short protein forms D2125fs.
Identifiers: ClinVar variation 4531203 (VCV004531203.1).

ClinVar aggregate classification (germline): Likely pathogenic (1 of 4 stars; one submission).

Conditions:
Autosomal recessive nonsyndromic hearing loss 3. Also called: NEUROSENSORY NONSYNDROMIC RECESSIVE DEAFNESS 3. Identifiers: Orphanet 90636, MedGen C1838263, MONDO:0010860, OMIM 600316.

Submission:

Juno Genomics, Hangzhou Juno Genomics, Inc
Classification: Likely pathogenic for Autosomal recessive nonsyndromic hearing loss 3. Review status: criteria provided, single submitter. Criteria: ACMG Guidelines, 2015. Collection method: clinical testing. Allele origin: germline. Affected: yes.
Comment: Absent from controls (or at extremely low frequency if recessive) in Genome Aggregation Database, Exome Sequencing Project, 1000 Genomes Project, or Exome Aggregation Consortium.;Null variant in a gene where loss of function (LOF) is a known mechanism of disease.